The following is an entry in ClinVar:

ClinVar aggregate classification (germline): Uncertain significance (1 of 4 stars; one submission).

gnomAD v4.1: 3 of 1,594,224 alleles (0.00019%); highest among the groups gnomAD compares: Non-Finnish European, 0.00017%; no homozygotes.

Submission:

Labcorp Genetics (formerly Invitae), Labcorp
Classification: Uncertain significance. Last evaluated: 2024-07-19. Review status: criteria provided, single submitter. Criteria: Invitae Variant Classification Sherloc (09022015). Collection method: clinical testing. Allele origin: germline.
Comment: This sequence change replaces glutamine, which is neutral and polar, with glutamic acid, which is acidic and polar, at codon 25 of the MTMR14 protein (p.Gln25Glu). This variant is not present in population databases (gnomAD no frequency). This variant has not been reported in the literature in individuals affected with MTMR14-related conditions. Advanced modeling of protein sequence and biophysical properties (such as structural, functional, and spatial information, amino acid conservation, physicochemical variation, residue mobility, and thermodynamic stability) performed at Invitae indicates that this missense variant is not expected to disrupt MTMR14 protein function with a negative predictive value of 80%. In summary, the available evidence is currently insufficient to determine the role of this variant in disease. Therefore, it has been classified as a Variant of Uncertain Significance.

NM_001077525.3(MTMR14):c.73C>G (p.Gln25Glu)

Gene: MTMR14 (myotubularin related protein 14; plus strand). Cytogenetic location: 3p25.3.
Variant type: single nucleotide variant.
Coding change: c.73C>G on transcript NM_001077525.3 (MANE Select); coding-DNA position 73, C replaced by G.
Protein change: p.Gln25Glu; replaces glutamine 25 with glutamic acid.
Molecular consequence: missense variant. On other transcripts: 5 prime UTR variant (23), non-coding transcript variant (9).
Genome position (GRCh38, 1-based): chr3:9,649,656, C>G. VCF-style: chr3-9649656-C-G. GRCh37 (hg19) VCF-style: chr3-9691340-C-G.
Other names: c.73C>G, p.Gln25Glu (NM_001077526.3, NM_001400519.1, NM_001400520.1 and 9 more transcripts); c.-61C>G (NM_001400518.1, NM_001400521.1, NM_001400525.1 and 4 more transcripts); c.-433C>G (NM_001400533.1, NM_001400539.1, NM_001400545.1); c.-494C>G (NM_001400534.1, NM_001400538.1, NM_001400541.1 and 2 more transcripts); c.-284C>G (NM_001400535.1); c.-461C>G (NM_001400540.1); c.-696C>G (NM_001400542.1); c.-255C>G (NM_001400543.1); and 4 more; short protein forms Q25E.
Identifiers: ClinVar variation 3707219 (VCV003707219.2).